The following is an entry in ClinVar:

ClinVar aggregate classification (germline): Benign. Review status: criteria provided, multiple submitters, no conflicts (2 of 4 stars). 3 submissions from 3 submitters: Benign (2). 1 of the submissions does not count toward it. Last evaluated 2018-08-03.

Conditions:
DOK7-related disorder. Also called: DOK7-related condition.

Allele frequency attached by ClinVar (database versions not stated): gnomAD exomes 0.00593; 1000 Genomes Project 30x 0.02951; gnomAD 0.03118 and 0.02931; 1000 Genomes Project 0.02776; ExAC 0.00460; TOPMed 0.03131.
gnomAD v4.1: 8,327 of 1,476,286 alleles (0.56%); highest among the groups gnomAD compares: African/African-American, 10%; 330 homozygotes.

Submissions (3):

GeneDx
Classification: Benign. Last evaluated: 2018-08-03. Review status: criteria provided, single submitter. Criteria: GeneDx Variant Classification Process June 2021. Collection method: clinical testing. Allele origin: germline. Affected: yes.

Breakthrough Genomics
Classification: Benign. Review status: criteria provided, single submitter. Criteria: ACMG Guidelines, 2015. Collection method: not provided. Allele origin: germline. Inheritance: Autosomal recessive inheritance. Affected: yes.

PreventionGenetics, part of Exact Sciences
Classification: Benign for DOK7-related condition. Last evaluated: 2019-05-08. Review status: no assertion criteria provided. Collection method: clinical testing. Allele origin: germline. Not counted in ClinVar's aggregate classification.
Comment: This variant is classified as benign based on ACMG/AMP sequence variant interpretation guidelines (Richards et al. 2015 PMID: 25741868, with internal and published modifications).

NM_001301071.2(DOK7):c.1540+10T>C

Gene: DOK7 (docking protein 7; plus strand). Cytogenetic location: 4p16.3.
Variant type: single nucleotide variant.
Coding change: c.1540+10T>C on transcript NM_001301071.2; 10 bases into the intron after coding-DNA position 1540, T replaced by C.
Molecular consequence: intron variant.
Genome position (GRCh38, 1-based): chr4:3,496,872, T>C. VCF-style: chr4-3496872-T-C. GRCh37 (hg19) VCF-style: chr4-3498599-T-C.
Other names: c.1108+10T>C (NM_001363811.2).
Identifiers: ClinVar variation 1241416 (VCV001241416.7), dbSNP rs146575370, ClinGen allele CA2829597.
Genomic context (GRCh38, chr4:3,496,872, plus strand): 5'-TGGTCTAGGGAGCGGCAGCCTCAGCCCCAGGACCTGCGACAGCACATTCAGGTAGGCACC[T>C]GGAGCCAGTCCCCCAGAGCTCGGGGACAGGAAGGCGGGAGTCTGGGTGGGCGCAGATGGC-3'